The following is an entry in ClinVar:

NM_002775.5(HTRA1):c.124G>A (p.Glu42Lys)

Gene: HTRA1 (HtrA serine peptidase 1; plus strand). Cytogenetic location: 10q26.13.
Variant type: single nucleotide variant.
Coding change: c.124G>A on transcript NM_002775.5 (MANE Select); coding-DNA position 124, G replaced by A.
Protein change: p.Glu42Lys; replaces glutamic acid 42 with lysine.
Molecular consequence: missense variant.
Genome position (GRCh38, 1-based): chr10:122,461,776, G>A. VCF-style: chr10-122461776-G-A. GRCh37 (hg19) VCF-style: chr10-124221292-G-A.
Other names: c.124G>A (NM_002775.4); short protein forms E42K.
Identifiers: ClinVar variation 1516486 (VCV001516486.9), dbSNP rs2097481432, ClinGen allele CA378605563.

ClinVar aggregate classification (germline): Uncertain significance. Review status: criteria provided, multiple submitters, no conflicts (2 of 4 stars). 2 submissions from 2 submitters: Uncertain significance (2). Last evaluated 2025-06-07.

Conditions:
Inborn genetic diseases. Identifiers: MedGen C0950123, MeSH D030342.

Allele frequency attached by ClinVar (database versions not stated): gnomAD exomes below 0.00001; gnomAD 0.00001.
gnomAD v4.1: 3 of 1,051,948 alleles (0.00029%); highest among the groups gnomAD compares: East Asian, 0.022%; no homozygotes.

Submissions (2):

Ambry Genetics
Classification: Uncertain significance for Inborn genetic diseases. Last evaluated: 2025-06-07. Review status: criteria provided, single submitter. Criteria: Ambry Variant Classification Scheme 2023. Collection method: clinical testing. Allele origin: germline.

Labcorp Genetics (formerly Invitae), Labcorp
Classification: Uncertain significance. Last evaluated: 2021-05-21. Review status: criteria provided, single submitter. Criteria: Invitae Variant Classification Sherloc (09022015). Collection method: clinical testing. Allele origin: germline.
Comment: In summary, the available evidence is currently insufficient to determine the role of this variant in disease. Therefore, it has been classified as a Variant of Uncertain Significance. Algorithms developed to predict the effect of missense changes on protein structure and function are either unavailable or do not agree on the potential impact of this missense change (SIFT: "Deleterious"; PolyPhen-2: "Benign"; Align-GVGD: "Class C0"). This variant has not been reported in the literature in individuals with HTRA1-related conditions. The frequency data for this variant in the population databases is considered unreliable, as metrics indicate insufficient coverage at this position in the ExAC database. This sequence change replaces glutamic acid with lysine at codon 42 of the HTRA1 protein (p.Glu42Lys). The glutamic acid residue is weakly conserved and there is a small physicochemical difference between glutamic acid and lysine.